The following is an entry in ClinVar:

ClinVar aggregate classification (germline): Uncertain significance (1 of 4 stars; one submission).

Submission:

CeGaT Center for Human Genetics Tuebingen
Classification: Uncertain significance. Last evaluated: 2024-05-01. Review status: criteria provided, single submitter. Criteria: CeGaT Center For Human Genetics Tuebingen Variant Classification Criteria Version 2. Collection method: clinical testing. Allele origin: germline. Affected: yes. Observed: 1 variant allele.
Comment: MYH10: PM2, PS3:Supporting, PS4:Supporting

NM_001256012.3(MYH10):c.5219A>G (p.Glu1740Gly)

Gene: MYH10 (myosin heavy chain 10; minus strand). Cytogenetic location: 17p13.1.
Variant type: single nucleotide variant.
Coding change: c.5219A>G on transcript NM_001256012.3 (MANE Select); coding-DNA position 5219, A replaced by G.
Protein change: p.Glu1740Gly; replaces glutamic acid 1740 with glycine.
Molecular consequence: missense variant.
Genome position (GRCh38, 1-based): chr17:8,481,367, T>C on the plus strand (A>G on the coding strand, the complement: MYH10 is on the minus strand). VCF-style: chr17-8481367-T-C. GRCh37 (hg19) VCF-style: chr17-8384685-T-C.
Other names: c.5153A>G, p.Glu1718Gly (NM_001256095.2); c.5156A>G, p.Glu1719Gly (NM_001375266.1); c.5126A>G, p.Glu1709Gly (NM_005964.5); short protein forms E1709G, E1718G, E1719G, E1740G.
Identifiers: ClinVar variation 3239365 (VCV003239365.19), dbSNP rs2544176286.